The following is an entry in ClinVar:

NM_000222.3(KIT):c.2362-14C>T

Gene: KIT (KIT proto-oncogene, receptor tyrosine kinase; plus strand). Cytogenetic location: 4q12.
Variant type: single nucleotide variant.
Coding change: c.2362-14C>T on transcript NM_000222.3 (MANE Select); 14 bases into the intron before coding-DNA position 2362, C replaced by T.
Molecular consequence: intron variant.
Genome position (GRCh38, 1-based): chr4:54,733,056, C>T. VCF-style: chr4-54733056-C-T. GRCh37 (hg19) VCF-style: chr4-55599222-C-T.
Other names: c.2359-14C>T (NM_001385285.1); c.2350-14C>T (NM_001093772.2, NM_001385292.1); c.2347-14C>T (NM_001385286.1); c.2365-14C>T (NM_001385284.1); c.2362-14C>T (NM_001385290.1); c.2353-14C>T (NM_001385288.1).
Identifiers: ClinVar variation 1579420 (VCV001579420.10), dbSNP rs749814033, ClinGen allele CA2923764.
Genomic context (GRCh38, chr4:54,733,056, plus strand): 5'-TTAAAAAGTTAGTTTTCACTCTTTACAAGTTAAAATGAATTTAAATGGTTTTCTTTTCTC[C>T]TCCAACCTAATAGTGTATTCACAGAGACTTGGCAGCCAGAAATATCCTCCTTACTCATGG-3'

ClinVar aggregate classification (germline): Benign/Likely benign. Review status: criteria provided, multiple submitters, no conflicts (2 of 4 stars). 3 submissions from 3 submitters: Benign (1); Likely benign (2). Last evaluated 2026-06-04.

Conditions:
Gastrointestinal stromal tumor. Also called: Gastrointestinal stroma tumor; Gastrointestinal stromal tumor, somatic. Identifiers: Orphanet 44890, MedGen C0238198, MeSH D046152, MONDO:0011719, OMIM 606764, HP:0100723.

Allele frequency attached by ClinVar (database versions not stated): TOPMed 0.00004; gnomAD 0.00007 and 0.00008; gnomAD exomes 0.00007 and 0.00016; ExAC 0.00021.
gnomAD v4.1: 118 of 1,608,776 alleles (0.0073%); highest among the groups gnomAD compares: Admixed American, 0.013%; no homozygotes.

Submissions (3):

Myriad Genetics, Inc.
Classification: Benign for Gastrointestinal stromal tumor. Last evaluated: 2026-06-04. Review status: criteria provided, single submitter. Criteria: Myriad Autosomal Dominant, Autosomal Recessive and X-Linked Classification Criteria (2023). Collection method: clinical testing. Allele origin: unknown.
Comment: This variant is considered benign. This variant is intronic and is not expected to impact mRNA splicing. This variant has been observed at a population frequency that is significantly greater than expected given the associated disease prevalence and penetrance.

Labcorp Genetics (formerly Invitae), Labcorp
Classification: Likely benign for Gastrointestinal stromal tumor. Last evaluated: 2026-02-04. Review status: criteria provided, single submitter. Criteria: Invitae Variant Classification Sherloc (09022015). Collection method: clinical testing. Allele origin: germline.

Blueprint Genetics
Classification: Likely benign. Last evaluated: 2022-10-10. Review status: criteria provided, single submitter. Criteria: ACMG Guidelines, 2015. Collection method: clinical testing. Allele origin: germline.